The following is an entry in ClinVar:

ClinVar aggregate classification (germline): Uncertain significance. Review status: criteria provided, multiple submitters, no conflicts (2 of 4 stars). 2 submissions from 2 submitters: Uncertain significance (2). Last evaluated 2025-06-15.

Conditions:
Dyskeratosis congenita, autosomal recessive 6 (DKCB6). Identifiers: MedGen C4225356, MONDO:0014600, OMIM 616353.
Pulmonary fibrosis and/or bone marrow failure, Telomere-related, 4. Also called: PULMONARY FIBROSIS AND/OR BONE MARROW FAILURE SYNDROME, TELOMERE-RELATED, 4. Identifiers: Orphanet 2032, MedGen C4225347, MONDO:0014612, OMIM 616371.

gnomAD v4.1: 3 of 1,612,966 alleles (0.00019%); highest among the groups gnomAD compares: Admixed American, 0.0017%; no homozygotes.

Submissions (2):

Labcorp Genetics (formerly Invitae), Labcorp
Classification: Uncertain significance for Dyskeratosis congenita, autosomal recessive 6; Pulmonary fibrosis and/or bone marrow failure, Telomere-related, 4. Last evaluated: 2025-06-15. Review status: criteria provided, single submitter. Criteria: Invitae Variant Classification Sherloc (09022015). Collection method: clinical testing. Allele origin: germline.
Comment: This sequence change replaces glycine, which is neutral and non-polar, with arginine, which is basic and polar, at codon 387 of the PARN protein (p.Gly387Arg). This variant is present in population databases (rs753378365, gnomAD 0.003%). This variant has not been reported in the literature in individuals affected with PARN-related conditions. ClinVar contains an entry for this variant (Variation ID: 3762399). Invitae Evidence Modeling of protein sequence and biophysical properties (such as structural, functional, and spatial information, amino acid conservation, physicochemical variation, residue mobility, and thermodynamic stability) indicates that this missense variant is expected to disrupt PARN protein function with a positive predictive value of 80%. In summary, the available evidence is currently insufficient to determine the role of this variant in disease. Therefore, it has been classified as a Variant of Uncertain Significance.

Blueprint Genetics
Classification: Uncertain significance. Last evaluated: 2023-11-28. Review status: criteria provided, single submitter. Criteria: ACMG Guidelines, 2015. Collection method: clinical testing. Allele origin: germline.

NM_002582.4(PARN):c.1159G>A (p.Gly387Arg)

Gene: PARN (poly(A)-specific ribonuclease; minus strand). Cytogenetic location: 16p13.12.
Variant type: single nucleotide variant.
Coding change: c.1159G>A on transcript NM_002582.4 (MANE Select); coding-DNA position 1159, G replaced by A.
Protein change: p.Gly387Arg; replaces glycine 387 with arginine.
Molecular consequence: missense variant.
Genome position (GRCh38, 1-based): chr16:14,582,214, C>T on the plus strand (G>A on the coding strand, the complement: PARN is on the minus strand). VCF-style: chr16-14582214-C-T. GRCh37 (hg19) VCF-style: chr16-14676071-C-T.
Other names: c.976G>A, p.Gly326Arg (NM_001134477.3); c.1021G>A, p.Gly341Arg (NM_001242992.2); short protein forms G326R, G341R, G387R.
Identifiers: ClinVar variation 3762399 (VCV003762399.3).